The following is an entry in ClinVar:

NM_000500.9(CYP21A2):c.341C>T (p.Ser114Phe)

Genes: CYP21A2 (cytochrome P450 family 21 subfamily A member 2; plus strand), LOC106780800 (CYP21A2 recombination region; plus strand). Cytogenetic location: 6p21.33.
Variant type: single nucleotide variant.
Coding change: c.341C>T on transcript NM_000500.9 (MANE Select); coding-DNA position 341, C replaced by T.
Protein change: p.Ser114Phe; replaces serine 114 with phenylalanine.
Molecular consequence: missense variant. On other transcripts: 5 prime UTR variant (2).
Genome position (GRCh38, 1-based): chr6:32,039,142, C>T. VCF-style: chr6-32039142-C-T. GRCh37 (hg19) VCF-style: chr6-32006919-C-T.
Other names: c.251C>T, p.Ser84Phe (NM_001128590.4); c.-65C>T (NM_001368143.2, NM_001368144.2); c.341C>T (NM_000500.7); short protein forms S114F, S84F.
Identifiers: ClinVar variation 1705450 (VCV001705450.2), dbSNP rs1296268275, ClinGen allele CA363501022.

ClinVar aggregate classification (germline): Likely pathogenic. Review status: criteria provided, multiple submitters, no conflicts (2 of 4 stars). 2 submissions from 2 submitters: Likely pathogenic (2). Last evaluated 2023-07-01.

Conditions:
21-Hydroxylase-Deficient Congenital Adrenal Hyperplasia. Also called: ADRENAL HYPERPLASIA, CONGENITAL, DUE TO 21-HYDROXYLASE DEFICIENCY; ADRENAL HYPERPLASIA III. Identifiers: MedGen C2936858, OMIM 201910.

Submissions (2):

Athena Diagnostics
Classification: Likely pathogenic. Last evaluated: 2023-07-01. Review status: criteria provided, single submitter. Criteria: Athena Diagnostics Criteria. Collection method: clinical testing. Allele origin: unknown.
Comment: This variant has been identified in at least one individual with clinical features associated with this gene. This variant has not been reported in large, multi-ethnic general populations. This variant is also referred to as p.Ser113Phe in published literature. Assessment of experimental evidence suggests this variant results in abnormal protein function. (PMID: 27721825)

3billion
Classification: Likely pathogenic for 21-Hydroxylase-Deficient Congenital Adrenal Hyperplasia. Last evaluated: 2022-09-01. Review status: criteria provided, single submitter. Criteria: ACMG Guidelines, 2015. Collection method: clinical testing. Allele origin: germline. Affected: yes. Observed: 1 heterozygote.
Comment: The variant is not observed in the gnomAD v2.1.1 dataset. Functional studies provide strong evidence of the variant having a damaging effect on the gene or gene product (PMID: 27721825). In silico tool predictions suggest damaging effect of the variant on gene or gene product (REVEL: 0.62; 3Cnet: 0.01). Same nucleotide change resulting in same amino acid change has been previously reported to be associated with CYP21A2-related disorder (PMID: 27721825). A different missense change at the same codon (p.Ser114Tyr) has been reported to be associated with CYP21A2-related disorder (PMID: 23359698). Therefore, this variant is classified as Likely pathogenic according to the recommendation of ACMG/AMP guideline.

Literature cited by the submitters: PubMed 27721825 (cited by Athena Diagnostics and 3billion); PubMed 23359706 (cited by Athena Diagnostics); PubMed 32616876 (cited by Athena Diagnostics); PubMed 27966633 (cited by Athena Diagnostics); PubMed 29035424 (cited by Athena Diagnostics); PubMed 23359698 (cited by 3billion).